The following is an entry in ClinVar:

ClinVar aggregate classification (germline): Uncertain significance (1 of 4 stars; one submission).

Conditions:
Polycystic kidney disease, adult type (PKD1). Also called: Polycystic Kidney Disease 1, Autosomal Dominant; Polycystic kidney disease 1; Polycystic kidney disease 1, severe; Polycystic Kidney, Autosomal Dominant; POLYCYSTIC KIDNEY DISEASE 1 WITH OR WITHOUT POLYCYSTIC LIVER DISEASE; POLYCYSTIC KIDNEY DISEASE, ADULT, TYPE I. Identifiers: MedGen C3149841, MONDO:0008263, OMIM 173900.

Submission:

Victorian Clinical Genetics Services, Murdoch Childrens Research Institute
Classification: Uncertain significance for Polycystic kidney disease, adult type. Last evaluated: 2022-02-02. Review status: criteria provided, single submitter. Criteria: ACMG Guidelines, 2015. Collection method: clinical testing. Allele origin: germline. Inheritance: Autosomal dominant inheritance. Affected: yes.
Comment: Based on the classification scheme VCGS_Germline_v1.3.4, this variant is classified as VUS-3B. Following criteria are met: 0102 - Loss of function is a known mechanism of disease in this gene and is associated with polycystic kidney disease 1 (MIM#173900). (I) 0107 - This gene is associated with autosomal dominant disease. Polycystic kidney disease 1 (MIM#173900) is predominantly caused by monoallelic variants, with rare reports of biallelic variants causing disease (OMIM). (I) 0200 - Variant is predicted to result in a missense amino acid change from alanine to aspartic acid. (I) 0251 - This variant is heterozygous. (I) 0301 - Variant is absent from gnomAD (both v2 and v3). (SP) 0309 - Multiple alternative amino acid changes at the same position has been observed in gnomAD (highest allele count: 7 heterozygotes, 0 homozygotes). (I) 0501 - Missense variant consistently predicted to be damaging by multiple in silico tools or highly conserved with a major amino acid change. (SP) 0600 - Variant is located in the annotated REJ domain (DECIPHER, Uniprot). (I) 0705 - No comparable missense variants have previous evidence for pathogenicity. (I) 0807 - This variant has no previous evidence of pathogenicity. (I) 0905 - No published segregation evidence has been identified for this variant. (I) 1007 - No published functional evidence has been identified for this variant. (I) 1208 - Inheritance information for this variant is not currently available in this individual. (I) Legend: (SP) - Supporting pathogenic, (I) - Information, (SB) - Supporting benign

NM_001009944.3(PKD1):c.6512C>A (p.Ala2171Asp)

Gene: PKD1 (polycystin 1, transient receptor potential channel interacting; minus strand). Cytogenetic location: 16p13.3.
Variant type: single nucleotide variant.
Coding change: c.6512C>A on transcript NM_001009944.3 (MANE Select); coding-DNA position 6512, C replaced by A.
Protein change: p.Ala2171Asp; replaces alanine 2171 with aspartic acid.
Molecular consequence: missense variant.
Genome position (GRCh38, 1-based): chr16:2,108,655, G>T on the plus strand (C>A on the coding strand, the complement: PKD1 is on the minus strand). VCF-style: chr16-2108655-G-T. GRCh37 (hg19) VCF-style: chr16-2158656-G-T.
Other names: c.6512C>A, p.Ala2171Asp (NM_000296.4); short protein forms A2171D.
Identifiers: ClinVar variation 1805099 (VCV001805099.1), dbSNP rs755655916, ClinGen allele CA394373409.